The following is an entry in ClinVar:

ClinVar aggregate classification (germline): Uncertain significance (1 of 4 stars; one submission).

Conditions:
Hereditary cancer-predisposing syndrome. Also called: Hereditary neoplastic syndrome; Neoplastic Syndromes, Hereditary; Tumor predisposition; Hereditary Cancer Syndrome. Identifiers: Orphanet 140162, MedGen C0027672, MeSH D009386, MONDO:0015356.

Submission:

Ambry Genetics
Classification: Uncertain significance for Hereditary cancer-predisposing syndrome. Last evaluated: 2024-12-28. Review status: criteria provided, single submitter. Criteria: Ambry Variant Classification Scheme 2023. Collection method: clinical testing. Allele origin: germline.
Comment: The p.F1131Y variant (also known as c.3392T>A), located in coding exon 17 of the BLM gene, results from a T to A substitution at nucleotide position 3392. The phenylalanine at codon 1131 is replaced by tyrosine, an amino acid with highly similar properties. This amino acid position is conserved. In addition, this alteration is predicted to be tolerated by in silico analysis. Based on the available evidence, the clinical significance of this variant remains unclear.

NM_000057.4(BLM):c.3392T>A (p.Phe1131Tyr)

Gene: BLM (BLM RecQ like helicase; plus strand). Cytogenetic location: 15q26.1.
Variant type: single nucleotide variant.
Coding change: c.3392T>A on transcript NM_000057.4 (MANE Select); coding-DNA position 3392, T replaced by A.
Protein change: p.Phe1131Tyr; replaces phenylalanine 1131 with tyrosine.
Molecular consequence: missense variant. On other transcripts: intron variant (1).
Genome position (GRCh38, 1-based): chr15:90,803,554, T>A. VCF-style: chr15-90803554-T-A. GRCh37 (hg19) VCF-style: chr15-91346784-T-A.
Other names: c.3392T>A, p.Phe1131Tyr (NM_001287246.2); c.2267T>A, p.Phe756Tyr (NM_001287248.2); c.3358+5217T>A (NM_001287247.2); short protein forms F756Y, F1131Y.
Identifiers: ClinVar variation 3824443 (VCV003824443.1).